The following is an entry in ClinVar:

ClinVar aggregate classification (germline): Pathogenic (1 of 4 stars; one submission).

Submission:

Labcorp Genetics (formerly Invitae), Labcorp
Classification: Pathogenic. Last evaluated: 2025-03-10. Review status: criteria provided, single submitter. Criteria: Invitae Variant Classification Sherloc (09022015). Collection method: clinical testing. Allele origin: germline.
Comment: This sequence change creates a premature translational stop signal (p.Val446*) in the SLC4A1 gene. It is expected to result in an absent or disrupted protein product. Loss-of-function variants in SLC4A1 are known to be pathogenic (PMID: 8943874, 10926824, 23255290). This variant is not present in population databases (gnomAD no frequency). This variant has not been reported in the literature in individuals affected with SLC4A1-related conditions. For these reasons, this variant has been classified as Pathogenic.

Literature cited by the submitters: PubMed 8943874; PubMed 10926824; PubMed 23255290.

NM_000342.4(SLC4A1):c.1335_1336insTA (p.Val446Ter)

Gene: SLC4A1 (solute carrier family 4 member 1 (Diego blood group); minus strand). Cytogenetic location: 17q21.31.
Variant type: Insertion.
Coding change: c.1335_1336insTA on transcript NM_000342.4 (MANE Select); coding-DNA positions 1335 to 1336, TA inserted.
Protein change: p.Val446Ter; replaces valine 446 with a stop codon.
Molecular consequence: nonsense.
Genome position: GRCh38 VCF-style: chr17-44257754-C-CTA. GRCh37 (hg19) VCF-style: chr17-42335122-C-CTA.
Other names: short protein forms V446*.
Identifiers: ClinVar variation 4714819 (VCV004714819.1).